The following is an entry in ClinVar:

NM_007118.4(TRIO):c.3406C>A (p.Gln1136Lys)

Gene: TRIO (trio Rho guanine nucleotide exchange factor; plus strand). Cytogenetic location: 5p15.2.
Variant type: single nucleotide variant.
Coding change: c.3406C>A on transcript NM_007118.4 (MANE Select); coding-DNA position 3406, C replaced by A.
Protein change: p.Gln1136Lys; replaces glutamine 1136 with lysine.
Molecular consequence: missense variant. On other transcripts: non-coding transcript variant (1).
Genome position (GRCh38, 1-based): chr5:14,378,086, C>A. VCF-style: chr5-14378086-C-A. GRCh37 (hg19) VCF-style: chr5-14378195-C-A.
Other names: short protein forms Q1136K.
Identifiers: ClinVar variation 3600471 (VCV003600471.1).

ClinVar aggregate classification (germline): Uncertain significance (1 of 4 stars; one submission).

Conditions:
Intellectual developmental disorder, autosomal dominant 63, with macrocephaly. Also called: MENTAL RETARDATION, AUTOSOMAL DOMINANT 63, WITH MACROCEPHALY. Identifiers: MedGen C5394205, MONDO:0032939, OMIM 618825.

Submission:

Clinical Genomics Laboratory, Washington University in St. Louis
Classification: Uncertain significance for Intellectual developmental disorder, autosomal dominant 63, with macrocephaly. Last evaluated: 2024-12-13. Review status: criteria provided, single submitter. Criteria: ACMG Guidelines, 2015. Collection method: clinical testing. Allele origin: germline.
Comment: The TRIO c.3406C>A (p.Gln1136Lys) variant, to our knowledge, has not been reported in the medical literature. This variant is absent from the general population (gnomAD v.2.1.1), indicating it is not a common variant. This variant resides within the spectrin repeat domain of TRIO (Gazdagh G et al., PMID: 36987741). Computational predictors are uncertain as to the impact of this variant on TRIO function. Due to limited information, and based on ACMG/AMP guidelines for variant interpretation (Richards S et al., PMID: 25741868), the clinical significance of this variant is uncertain at this time.